The following is an entry in ClinVar:

NM_031407.7(HUWE1):c.7818C>G (p.Leu2606=)

Gene: HUWE1 (HECT, UBA and WWE domain containing E3 ubiquitin protein ligase 1; minus strand). Cytogenetic location: Xp11.22.
Variant type: single nucleotide variant.
Coding change: c.7818C>G on transcript NM_031407.7 (MANE Select); coding-DNA position 7818, C replaced by G.
Protein change: p.Leu2606=; no amino-acid change (leucine 2606 retained).
Molecular consequence: synonymous variant.
Genome position (GRCh38, 1-based): chrX:53,559,451, G>C on the plus strand (C>G on the coding strand, the complement: HUWE1 is on the minus strand). VCF-style: chrX-53559451-G-C. GRCh37 (hg19) VCF-style: chrX-53586412-G-C.
Identifiers: ClinVar variation 2660621 (VCV002660621.24), dbSNP rs2523870567, ClinGen allele CA516429836.

ClinVar aggregate classification (germline): Likely benign (1 of 4 stars; one submission).

Submission:

CeGaT Center for Human Genetics Tuebingen
Classification: Likely benign. Last evaluated: 2022-10-01. Review status: criteria provided, single submitter. Criteria: CeGaT Center For Human Genetics Tuebingen Variant Classification Criteria Version 2. Collection method: clinical testing. Allele origin: germline. Affected: yes. Observed: 1 variant allele.
Comment: HUWE1: PM2:Supporting, BP4, BP7